The following is an entry in ClinVar:

ClinVar aggregate classification (germline): Uncertain significance. Review status: criteria provided, multiple submitters, no conflicts (2 of 4 stars). 2 submissions from 2 submitters: Uncertain significance (2). Last evaluated 2025-08-20.

Conditions:
Inborn genetic diseases. Identifiers: MedGen C0950123, MeSH D030342.
Deficiency of hydroxymethylglutaryl-CoA lyase (HMGCLD). Also called: HMGCL DEFICIENCY; HYDROXYMETHYLGLUTARIC ACIDURIA; HMG-CoA LYASE DEFICIENCY; Defect in leucine metabolism; 3-hydroxy-3-methylglutaric aciduria. Identifiers: Orphanet 20, MedGen C1533587, MONDO:0009520, OMIM 246450.

Allele frequency attached by ClinVar (database versions not stated): gnomAD exomes 0.00001; TOPMed 0.00002; gnomAD 0.00003.
gnomAD v4.1: 24 of 1,561,358 alleles (0.0015%); highest among the groups gnomAD compares: African/African-American, 0.0068%; no homozygotes.

Submissions (2):

Ambry Genetics
Classification: Uncertain significance for Inborn genetic diseases. Last evaluated: 2025-08-20. Review status: criteria provided, single submitter. Criteria: Ambry Variant Classification Scheme 2023. Collection method: clinical testing. Allele origin: germline.

Labcorp Genetics (formerly Invitae), Labcorp
Classification: Uncertain significance for Deficiency of hydroxymethylglutaryl-CoA lyase. Last evaluated: 2025-02-24. Review status: criteria provided, single submitter. Criteria: Invitae Variant Classification Sherloc (09022015). Collection method: clinical testing. Allele origin: germline.
Comment: This sequence change replaces glycine, which is neutral and non-polar, with valine, which is neutral and non-polar, at codon 14 of the HMGCL protein (p.Gly14Val). This variant is present in population databases (no rsID available, gnomAD 0.02%). This variant has not been reported in the literature in individuals affected with HMGCL-related conditions. ClinVar contains an entry for this variant (Variation ID: 1957312). An algorithm developed to predict the effect of missense changes on protein structure and function (PolyPhen-2) suggests that this variant is likely to be tolerated. In summary, the available evidence is currently insufficient to determine the role of this variant in disease. Therefore, it has been classified as a Variant of Uncertain Significance.

NM_000191.3(HMGCL):c.41G>T (p.Gly14Val)

Gene: HMGCL (3-hydroxy-3-methylglutaryl-CoA lyase; minus strand). Cytogenetic location: 1p36.11.
Variant type: single nucleotide variant.
Coding change: c.41G>T on transcript NM_000191.3 (MANE Select); coding-DNA position 41, G replaced by T.
Protein change: p.Gly14Val; replaces glycine 14 with valine.
Molecular consequence: missense variant.
Genome position (GRCh38, 1-based): chr1:23,825,375, C>A on the plus strand (G>T on the coding strand, the complement: HMGCL is on the minus strand). VCF-style: chr1-23825375-C-A. GRCh37 (hg19) VCF-style: chr1-24151865-C-A.
Other names: c.41G>T, p.Gly14Val (NM_001166059.2); c.41G>T (NM_000191.2); short protein forms G14V.
Identifiers: ClinVar variation 1957312 (VCV001957312.4), dbSNP rs930659830, ClinGen allele CA19307189.